The following is an entry in ClinVar:

NM_025243.4(SLC19A3):c.1476G>C (p.Met492Ile)

Gene: SLC19A3 (solute carrier family 19 member 3; minus strand). Cytogenetic location: 2q36.3.
Variant type: single nucleotide variant.
Coding change: c.1476G>C on transcript NM_025243.4 (MANE Select); coding-DNA position 1476, G replaced by C.
Protein change: p.Met492Ile; replaces methionine 492 with isoleucine.
Molecular consequence: missense variant.
Genome position (GRCh38, 1-based): chr2:227,687,412, C>G on the plus strand (G>C on the coding strand, the complement: SLC19A3 is on the minus strand). VCF-style: chr2-227687412-C-G. GRCh37 (hg19) VCF-style: chr2-228552128-C-G.
Other names: c.1476G>C, p.Met492Ile (NM_001371411.1, NM_001371412.1); c.1464G>C, p.Met488Ile (NM_001371413.1, NM_001371414.1); short protein forms M492I, M488I.
Identifiers: ClinVar variation 1524657 (VCV001524657.3), dbSNP rs764642918, ClinGen allele CA350874949.

ClinVar aggregate classification (germline): Uncertain significance (1 of 4 stars; one submission).

Conditions:
Biotin-responsive basal ganglia disease (BTBGD). Also called: THIAMINE METABOLISM DYSFUNCTION SYNDROME 2 (BIOTIN- AND THIAMINE-RESPONSIVE TYPE); Thiamine metabolism dysfunction syndrome type 2; Thiamine Transporter-2 Deficiency; Thiamine metabolism dysfunction syndrome 2 (biotin- or thiamine-responsive encephalopathy type 2); thiamine-responsive encephalopathy. Identifiers: Orphanet 199348, Orphanet 65284, MedGen C1843807, MONDO:0011841, OMIM 607483.

Submission:

Labcorp Genetics (formerly Invitae), Labcorp
Classification: Uncertain significance for Biotin-responsive basal ganglia disease. Last evaluated: 2022-10-04. Review status: criteria provided, single submitter. Criteria: Invitae Variant Classification Sherloc (09022015). Collection method: clinical testing. Allele origin: germline.
Comment: This sequence change replaces methionine, which is neutral and non-polar, with isoleucine, which is neutral and non-polar, at codon 492 of the SLC19A3 protein (p.Met492Ile). This variant is not present in population databases (gnomAD no frequency). This variant has not been reported in the literature in individuals affected with SLC19A3-related conditions. ClinVar contains an entry for this variant (Variation ID: 1524657). Advanced modeling of protein sequence and biophysical properties (such as structural, functional, and spatial information, amino acid conservation, physicochemical variation, residue mobility, and thermodynamic stability) performed at Invitae indicates that this missense variant is not expected to disrupt SLC19A3 protein function. In summary, the available evidence is currently insufficient to determine the role of this variant in disease. Therefore, it has been classified as a Variant of Uncertain Significance.